The following is an entry in ClinVar:

NM_024675.4(PALB2):c.2470del (p.Cys824fs)

Gene: PALB2 (partner and localizer of BRCA2; minus strand). Cytogenetic location: 16p12.2.
Variant type: Deletion.
Coding change: c.2470del on transcript NM_024675.4 (MANE Select); coding-DNA position 2470, one base deleted (T; older notation c.2470delT).
Protein change: p.Cys824fs; shifts the reading frame from cysteine 824.
Molecular consequence: frameshift variant.
Genome position (GRCh38, 1-based): chr16:23,629,684, A deleted on the plus strand (T on the coding strand, the reverse complement: PALB2 is on the minus strand). VCF-style (leftmost placement, unchanged base first): chr16-23629683-CA-C. GRCh37 (hg19) VCF-style: chr16-23641004-CA-C.
Other names: c.2470delT (NM_024675.3); short protein forms C824fs.
Identifiers: ClinVar variation 230043 (VCV000230043.35), dbSNP rs876658348, ClinGen allele CA10579969.

ClinVar aggregate classification (germline): Pathogenic/Likely pathogenic. Review status: criteria provided, multiple submitters, no conflicts (2 of 4 stars). 8 submissions from 8 submitters: Pathogenic (5); Likely pathogenic (2). 1 of the submissions does not count toward it. Last evaluated 2023-10-17.

Conditions:
Hereditary cancer-predisposing syndrome. Also called: Neoplastic Syndromes, Hereditary; Hereditary neoplastic syndrome; Hereditary Cancer Syndrome; Tumor predisposition. Identifiers: Orphanet 140162, MedGen C0027672, MeSH D009386, MONDO:0015356.
Breast-ovarian cancer, familial, susceptibility to, 5 (BROVCA5). Identifiers: MedGen C5830615, MONDO:0957530, OMIM 620442.
Gastric cancer. Also called: Stomach cancer; Malignant tumor of stomach. Identifiers: MedGen C0024623, MeSH D013274, MONDO:0001056, OMIM 613659, HP:0012126.
Familial cancer of breast. Also called: hereditary breast carcinoma; BREAST CANCER, FAMILIAL; Hereditary breast cancer. Identifiers: Orphanet 227535, MedGen C0346153, MONDO:0016419, OMIM 114480. Disease mechanism: loss of function.

Allele frequency attached by ClinVar (database versions not stated): gnomAD exomes below 0.00001.

Submissions (8):

Baylor Genetics
Classification: Likely pathogenic for Familial cancer of breast. Last evaluated: 2023-10-17. Review status: criteria provided, single submitter. Criteria: ACMG Guidelines, 2015. Collection method: clinical testing. Allele origin: unknown.

Myriad Genetics, Inc.
Classification: Pathogenic for Familial cancer of breast. Last evaluated: 2023-09-12. Review status: criteria provided, single submitter. Criteria: Myriad Autosomal Dominant, Autosomal Recessive and X-Linked Classification Criteria (2023). Collection method: clinical testing. Allele origin: unknown.
Comment: This variant is considered pathogenic. This variant creates a frameshift predicted to result in premature protein truncation.

Labcorp Genetics (formerly Invitae), Labcorp
Classification: Pathogenic for Familial cancer of breast. Last evaluated: 2023-07-29. Review status: criteria provided, single submitter. Criteria: Invitae Variant Classification Sherloc (09022015). Collection method: clinical testing. Allele origin: germline.
Comment: For these reasons, this variant has been classified as Pathogenic. ClinVar contains an entry for this variant (Variation ID: 230043). This variant has not been reported in the literature in individuals affected with PALB2-related conditions. This variant is not present in population databases (gnomAD no frequency). This sequence change creates a premature translational stop signal (p.Cys824Valfs*27) in the PALB2 gene. It is expected to result in an absent or disrupted protein product. Loss-of-function variants in PALB2 are known to be pathogenic (PMID: 17200668, 17200671, 17200672, 24136930, 25099575).

Ambry Genetics
Classification: Pathogenic for Hereditary cancer-predisposing syndrome. Last evaluated: 2023-02-14. Review status: criteria provided, single submitter. Criteria: Ambry Variant Classification Scheme 2023. Collection method: clinical testing. Allele origin: germline.
Comment: The c.2470delT pathogenic mutation, located in coding exon 5 of the PALB2 gene, results from a deletion of one nucleotide at nucleotide position 2470, causing a translational frameshift with a predicted alternate stop codon (p.C824Vfs*27). This variant is considered to be rare based on population cohorts in the Genome Aggregation Database (gnomAD). This alteration is expected to result in loss of function by premature protein truncation or nonsense-mediated mRNA decay. As such, this alteration is interpreted as a disease-causing mutation.

Color Diagnostics, LLC DBA Color Health
Classification: Pathogenic for Hereditary cancer-predisposing syndrome. Last evaluated: 2022-03-16. Review status: criteria provided, single submitter. Criteria: ACMG Guidelines, 2015. Collection method: clinical testing. Allele origin: germline.
Comment: This variant deletes 1 nucleotide in exon 5 of the PALB2 gene, creating a frameshift and premature translation stop signal. This variant is expected to result in an absent or non-functional protein product. To our knowledge, this variant has not been reported in individuals affected with hereditary cancer in the literature. This variant has not been identified in the general population by the Genome Aggregation Database (gnomAD). Loss of PALB2 function is a known mechanism of disease. Based on the available evidence, this variant is classified as Pathogenic.

Quest Diagnostics Nichols Institute San Juan Capistrano
Classification: Pathogenic. Last evaluated: 2021-01-14. Review status: criteria provided, single submitter. Criteria: Quest Diagnostics criteria. Collection method: clinical testing. Allele origin: unknown.
Comment: This frameshift variant causes the premature termination of PALB2 protein synthesis. It has been reported along with PALB2 c.2834+2T>C in an individual with Fanconi anemia in the published literature (PMID: 30792206 (2019)). Therefore, the variant is classified as pathogenic.

Genesis Genomics
Classification: Likely pathogenic for Breast-ovarian cancer, familial, susceptibility to, 5. Review status: criteria provided, single submitter. Criteria: ACMG Guidelines, 2015. Collection method: clinical testing. Allele origin: germline. Affected: yes. Observed: 1 variant allele.

Laboratory for Genotyping Development, RIKEN
Classification: Pathogenic for Gastric cancer. Last evaluated: 2021-07-01. Review status: no assertion criteria provided. Collection method: research. Allele origin: germline. Not counted in ClinVar's aggregate classification.

Literature cited by the submitters: PubMed 17200668 (cited by Labcorp Genetics (formerly Invitae), Labcorp); PubMed 17200671 (cited by Labcorp Genetics (formerly Invitae), Labcorp); PubMed 17200672 (cited by Labcorp Genetics (formerly Invitae), Labcorp); PubMed 24136930 (cited by Labcorp Genetics (formerly Invitae), Labcorp); PubMed 25099575 (cited by Labcorp Genetics (formerly Invitae), Labcorp); PubMed 30792206 (cited by Quest Diagnostics Nichols Institute San Juan Capistrano); PubMed 36988593 (cited by Laboratory for Genotyping Development, RIKEN).